The following is an entry in ClinVar:

ClinVar aggregate classification (germline): Benign. Review status: criteria provided, multiple submitters, no conflicts (2 of 4 stars). 4 submissions from 4 submitters: Benign (4). Last evaluated 2026-01-31.

Conditions:
Methylmalonic acidemia with homocystinuria, type cblJ (MAHCJ). Also called: METHYLMALONIC ACIDURIA AND HOMOCYSTINURIA, cblJ TYPE. Identifiers: Orphanet 369955, MedGen C3553915, MONDO:0013925, OMIM 614857.

Allele frequency attached by ClinVar (database versions not stated): ExAC 0.00223; ESP Exome Variant Server 0.00702; gnomAD 0.00711; 1000 Genomes Project 0.00719; 1000 Genomes Project 30x 0.00734; TOPMed 0.00774.
gnomAD v4.1: 2,173 of 1,607,210 alleles (0.14%); highest among the groups gnomAD compares: African/African-American, 2.5%; 25 homozygotes.

Submissions (4):

Labcorp Genetics (formerly Invitae), Labcorp
Classification: Benign for Methylmalonic acidemia with homocystinuria, type cblJ. Last evaluated: 2026-01-31. Review status: criteria provided, single submitter. Criteria: Invitae Variant Classification Sherloc (09022015). Collection method: clinical testing. Allele origin: germline.

ARUP Laboratories, Molecular Genetics and Genomics, ARUP Laboratories
Classification: Benign for Methylmalonic acidemia with homocystinuria, type cblJ. Last evaluated: 2025-06-03. Review status: criteria provided, single submitter. Criteria: ARUP Molecular Germline Variant Investigation Process 2024. Collection method: clinical testing. Allele origin: germline.

GeneDx
Classification: Benign. Last evaluated: 2016-04-21. Review status: criteria provided, single submitter. Criteria: GeneDx Variant Classification (06012015). Collection method: clinical testing. Allele origin: germline. Affected: yes.
Comment: This variant is considered likely benign or benign based on one or more of the following criteria: it is a conservative change, it occurs at a poorly conserved position in the protein, it is predicted to be benign by multiple in silico algorithms, and/or has population frequency not consistent with disease.

Breakthrough Genomics
Classification: Benign. Review status: criteria provided, single submitter. Criteria: ACMG Guidelines, 2015. Collection method: not provided. Allele origin: germline. Inheritance: Autosomal recessive inheritance. Affected: yes.

NM_005050.4(ABCD4):c.10G>C (p.Ala4Pro)

Gene: ABCD4 (ATP binding cassette subfamily D member 4; minus strand). Cytogenetic location: 14q24.3.
Variant type: single nucleotide variant.
Coding change: c.10G>C on transcript NM_005050.4 (MANE Select); coding-DNA position 10, G replaced by C.
Protein change: p.Ala4Pro; replaces alanine 4 with proline.
Molecular consequence: missense variant. On other transcripts: 5 prime UTR variant (19), non-coding transcript variant (10).
Genome position (GRCh38, 1-based): chr14:74,302,903, C>G on the plus strand (G>C on the coding strand, the complement: ABCD4 is on the minus strand). VCF-style: chr14-74302903-C-G. GRCh37 (hg19) VCF-style: chr14-74769606-C-G.
Other names: c.10G>C, p.Ala4Pro (NM_001353591.2, NM_001353592.2, NM_020325.3); c.-133G>C (NM_001353593.2, NM_001353594.2); c.-400G>C (NM_001353595.2); c.-272G>C (NM_001353596.2, NM_001353597.2); c.-221G>C (NM_001353598.2); c.-328G>C (NM_001353599.2, NM_020324.3); c.-340G>C (NM_001353600.2); c.-200G>C (NM_001353601.2); and 6 more; short protein forms A4P.
Identifiers: ClinVar variation 380513 (VCV000380513.13), dbSNP rs139863822, ClinGen allele CA7267377.